The following is an entry in ClinVar:

NM_001999.4(FBN2):c.1426G>A (p.Val476Met)

Gene: FBN2 (fibrillin 2; minus strand). Cytogenetic location: 5q23.3.
Variant type: single nucleotide variant.
Coding change: c.1426G>A on transcript NM_001999.4 (MANE Select); coding-DNA position 1426, G replaced by A.
Protein change: p.Val476Met; replaces valine 476 with methionine.
Molecular consequence: missense variant.
Genome position (GRCh38, 1-based): chr5:128,393,174, C>T on the plus strand (G>A on the coding strand, the complement: FBN2 is on the minus strand). VCF-style: chr5-128393174-C-T. GRCh37 (hg19) VCF-style: chr5-127728867-C-T.
Other names: short protein forms V476M.
Identifiers: ClinVar variation 3699945 (VCV003699945.2).

ClinVar aggregate classification (germline): Uncertain significance (1 of 4 stars; one submission).

Conditions:
Congenital contractural arachnodactyly (CCA). Also called: Beals-Hecht syndrome; BEALS SYNDROME; Arthrogryposis, distal, type 9. Identifiers: Orphanet 115, MedGen C0220668, MONDO:0007363, OMIM 121050.

gnomAD v4.1: 2 of 1,614,190 alleles (0.00012%); highest among the groups gnomAD compares: Middle Eastern, 0.016%; no homozygotes.

Submission:

Labcorp Genetics (formerly Invitae), Labcorp
Classification: Uncertain significance for Congenital contractural arachnodactyly. Last evaluated: 2024-08-05. Review status: criteria provided, single submitter. Criteria: Invitae Variant Classification Sherloc (09022015). Collection method: clinical testing. Allele origin: germline.
Comment: This sequence change replaces valine, which is neutral and non-polar, with methionine, which is neutral and non-polar, at codon 476 of the FBN2 protein (p.Val476Met). This variant is not present in population databases (gnomAD no frequency). This variant has not been reported in the literature in individuals affected with FBN2-related conditions. Advanced modeling of protein sequence and biophysical properties (such as structural, functional, and spatial information, amino acid conservation, physicochemical variation, residue mobility, and thermodynamic stability) performed at Invitae indicates that this missense variant is not expected to disrupt FBN2 protein function with a negative predictive value of 95%. In summary, the available evidence is currently insufficient to determine the role of this variant in disease. Therefore, it has been classified as a Variant of Uncertain Significance.